The following is an entry in ClinVar:

NM_018972.4(GDAP1):c.13C>T (p.Gln5Ter)

Genes: GDAP1 (ganglioside induced differentiation associated protein 1; plus strand), LOC130000622 (ATAC-STARR-seq lymphoblastoid active region 27542; plus strand). Cytogenetic location: 8q21.11.
Variant type: single nucleotide variant.
Coding change: c.13C>T on transcript NM_018972.4 (MANE Select); coding-DNA position 13, C replaced by T.
Protein change: p.Gln5Ter; replaces glutamine 5 with a stop codon.
Molecular consequence: nonsense. On other transcripts: splice donor variant (1), 5 prime UTR variant (2).
Genome position (GRCh38, 1-based): chr8:74,350,474, C>T. VCF-style: chr8-74350474-C-T. GRCh37 (hg19) VCF-style: chr8-75262709-C-T.
Other names: c.-64+2C>T (NM_001040875.4); c.-170C>T (NM_001362929.2); c.13C>T, p.Gln5Ter (NM_001362930.2, NM_001362931.2); c.-122C>T (NM_001362932.2); short protein forms Q5*.
Identifiers: ClinVar variation 1455723 (VCV001455723.8), dbSNP rs2131493453, ClinGen allele CA371498986.
Genomic context (GRCh38, chr8:74,350,474, plus strand): 5'-AAGTCCAGGGCGGACAGGCTGGGCGCACCCGTGCTCGCGCACCCCAAGATGGCTGAGAGG[C>T]AGGAAGAGCAGAGAGGGAGCCCGCCCTTGAGGGCGGAAGGCAAGGCCGACGCGGAGGTTA-3'

ClinVar aggregate classification (germline): Pathogenic/Likely pathogenic. Review status: criteria provided, multiple submitters, no conflicts (2 of 4 stars). 2 submissions from 2 submitters: Pathogenic (1); Likely pathogenic (1). Last evaluated 2022-06-28.

Conditions:
Charcot-Marie-Tooth disease type 4A. Also called: Charcot-Marie-Tooth disease, demyelinating, autosomal recessive, type 4a. Identifiers: Orphanet 99948, MedGen C1859198, MONDO:0008961, OMIM 214400.
Charcot-Marie-Tooth disease recessive intermediate A (CMTRIA). Also called: CHARCOT-MARIE-TOOTH NEUROPATHY, RECESSIVE INTERMEDIATE A. Identifiers: Orphanet 217055, MedGen C1842197, MONDO:0012014, OMIM 608340.
Charcot-Marie-Tooth disease axonal type 2K (CMT2K). Also called: CHARCOT-MARIE-TOOTH DISEASE, AXONAL, AUTOSOMAL RECESSIVE, TYPE 2K; CHARCOT-MARIE-TOOTH NEUROPATHY, AXONAL, TYPE 2K; Charcot-Marie-Tooth disease type 2K. Identifiers: Orphanet 101097, Orphanet 99944, MedGen C1842983, MONDO:0011916, OMIM 607831.
Charcot-Marie-Tooth disease, axonal, with vocal cord paresis, autosomal recessive. Also called: CHARCOT-MARIE-TOOTH DISEASE, TYPE 4A, AXONAL FORM; CHARCOT-MARIE-TOOTH NEUROPATHY, AXONAL, WITH VOCAL CORD PARESIS, AUTOSOMAL RECESSIVE; CMT2 WITH VOCAL CORD PARESIS, AUTOSOMAL RECESSIVE. Identifiers: Orphanet 101097, MedGen C1843183, MONDO:0011898, OMIM 607706.

Submissions (2):

Labcorp Genetics (formerly Invitae), Labcorp
Classification: Pathogenic for Charcot-Marie-Tooth disease type 4A. Last evaluated: 2022-06-28. Review status: criteria provided, single submitter. Criteria: Invitae Variant Classification Sherloc (09022015). Collection method: clinical testing. Allele origin: germline.
Comment: For these reasons, this variant has been classified as Pathogenic. Algorithms developed to predict the effect of sequence changes on RNA splicing suggest that this variant may create or strengthen a splice site. This variant has not been reported in the literature in individuals affected with GDAP1-related conditions. This variant is not present in population databases (gnomAD no frequency). This sequence change creates a premature translational stop signal (p.Gln5*) in the GDAP1 gene. It is expected to result in an absent or disrupted protein product. Loss-of-function variants in GDAP1 are known to be pathogenic (PMID: 11743580).

Juno Genomics, Hangzhou Juno Genomics, Inc
Classification: Likely pathogenic for Charcot-Marie-Tooth disease axonal type 2K; Charcot-Marie-Tooth disease, axonal, with vocal cord paresis, autosomal recessive; Charcot-Marie-Tooth disease recessive intermediate A; Charcot-Marie-Tooth disease type 4A. Review status: criteria provided, single submitter. Criteria: ACMG Guidelines, 2015. Collection method: clinical testing. Allele origin: germline.
Comment: Null variant in a gene where loss of function (LOF) is a known mechanism of disease.;Absent from controls (or at extremely low frequency if recessive) in Genome Aggregation Database.

Literature cited by the submitters: PubMed 11743580 (cited by Labcorp Genetics (formerly Invitae), Labcorp).